The following is an entry in ClinVar:

NM_006516.4(SLC2A1):c.98T>C (p.Ile33Thr)

Gene: SLC2A1 (solute carrier family 2 member 1; minus strand). Cytogenetic location: 1p34.2.
Variant type: single nucleotide variant.
Coding change: c.98T>C on transcript NM_006516.4 (MANE Select); coding-DNA position 98, T replaced by C.
Protein change: p.Ile33Thr; replaces isoleucine 33 with threonine.
Molecular consequence: missense variant.
Genome position (GRCh38, 1-based): chr1:42,943,242, A>G on the plus strand (T>C on the coding strand, the complement: SLC2A1 is on the minus strand). VCF-style: chr1-42943242-A-G. GRCh37 (hg19) VCF-style: chr1-43408913-A-G.
Other names: short protein forms I33T.
Identifiers: ClinVar variation 2504669 (VCV002504669.1), dbSNP rs2525034837, ClinGen allele CA339964758.

ClinVar aggregate classification (germline): Uncertain significance (1 of 4 stars; one submission).

Submission:

GeneDx
Classification: Uncertain significance. Last evaluated: 2022-12-06. Review status: criteria provided, single submitter. Criteria: GeneDx Variant Classification Process June 2021. Collection method: clinical testing. Allele origin: germline. Affected: yes.
Comment: Not observed at significant frequency in large population cohorts (gnomAD); In silico analysis supports that this missense variant has a deleterious effect on protein structure/function; Has not been previously published as pathogenic or benign to our knowledge